The following is an entry in ClinVar:

ClinVar aggregate classification (germline): Likely benign. Review status: criteria provided, multiple submitters, no conflicts (2 of 4 stars). 4 submissions from 4 submitters: Likely benign (3). 1 of the submissions does not count toward it. Last evaluated 2025-07-23.

Conditions:
ZBTB20-related disorder. Also called: ZBTB20-related condition.
Inborn genetic diseases. Identifiers: MedGen C0950123, MeSH D030342.

Allele frequency attached by ClinVar (database versions not stated): gnomAD 0.00005; gnomAD exomes 0.00005; TOPMed 0.00007; ExAC 0.00009; 1000 Genomes Project 0.00020; 1000 Genomes Project 30x 0.00031.
gnomAD v4.1: 75 of 1,611,598 alleles (0.0047%); highest among the groups gnomAD compares: Admixed American, 0.077%; 1 homozygote.

Submissions (4):

Labcorp Genetics (formerly Invitae), Labcorp
Classification: Likely benign. Last evaluated: 2025-07-23. Review status: criteria provided, single submitter. Criteria: Invitae Variant Classification Sherloc (09022015). Collection method: clinical testing. Allele origin: germline.

CeGaT Center for Human Genetics Tuebingen
Classification: Likely benign. Last evaluated: 2025-06-01. Review status: criteria provided, single submitter. Criteria: CeGaT Center For Human Genetics Tuebingen Variant Classification Criteria Version 2. Collection method: clinical testing. Allele origin: germline. Affected: yes. Observed: 1 variant allele.
Comment: ZBTB20: PP2, BS1

Ambry Genetics
Classification: Likely benign for Inborn genetic diseases. Last evaluated: 2022-06-13. Review status: criteria provided, single submitter. Criteria: Ambry Variant Classification Scheme 2023. Collection method: clinical testing. Allele origin: germline.

PreventionGenetics, part of Exact Sciences
Classification: Likely benign for ZBTB20-related condition. Last evaluated: 2023-05-04. Review status: no assertion criteria provided. Collection method: clinical testing. Allele origin: germline. Not counted in ClinVar's aggregate classification.
Comment: This variant is classified as likely benign based on ACMG/AMP sequence variant interpretation guidelines (Richards et al. 2015 PMID: 25741868, with internal and published modifications).

NM_001348800.3(ZBTB20):c.701G>A (p.Ser234Asn)

Gene: ZBTB20 (zinc finger and BTB domain containing 20; minus strand). Cytogenetic location: 3q13.31.
Variant type: single nucleotide variant.
Coding change: c.701G>A on transcript NM_001348800.3 (MANE Select); coding-DNA position 701, G replaced by A.
Protein change: p.Ser234Asn; replaces serine 234 with asparagine.
Molecular consequence: missense variant.
Genome position (GRCh38, 1-based): chr3:114,351,377, C>T on the plus strand (G>A on the coding strand, the complement: ZBTB20 is on the minus strand). VCF-style: chr3-114351377-C-T. GRCh37 (hg19) VCF-style: chr3-114070224-C-T.
Other names: c.701G>A, p.Ser234Asn (NM_001164342.2, NM_001348803.3, NM_001393393.1 and 1 more transcripts); c.482G>A, p.Ser161Asn (NM_001164343.2, NM_001164344.4, NM_001164345.4 and 9 more transcripts); short protein forms S161N, S234N.
Identifiers: ClinVar variation 1932366 (VCV001932366.18), dbSNP rs188666036, ClinGen allele CA2551397.